The following is an entry in ClinVar:

NM_032620.4(GTPBP3):c.689A>C (p.Gln230Pro)

Gene: GTPBP3 (GTP binding protein 3, mitochondrial; plus strand). Cytogenetic location: 19p13.11.
Variant type: single nucleotide variant.
Coding change: c.689A>C on transcript NM_032620.4 (MANE Select); coding-DNA position 689, A replaced by C.
Protein change: p.Gln230Pro; replaces glutamine 230 with proline.
Molecular consequence: missense variant.
Genome position (GRCh38, 1-based): chr19:17,339,147, A>C. VCF-style: chr19-17339147-A-C. GRCh37 (hg19) VCF-style: chr19-17449956-A-C.
Other names: c.689A>C, p.Gln230Pro (NM_001128855.3); c.755A>C, p.Gln252Pro (NM_001195422.1); c.785A>C, p.Gln262Pro (NM_133644.4); short protein forms Q262P, Q252P, Q230P.
Identifiers: ClinVar variation 2985940 (VCV002985940.3), dbSNP rs745700518, ClinGen allele CA9293463.

ClinVar aggregate classification (germline): Pathogenic (1 of 4 stars; one submission).

Allele frequency attached by ClinVar (database versions not stated): ExAC 0.00001; gnomAD exomes 0.00001.

Submission:

Labcorp Genetics (formerly Invitae), Labcorp
Classification: Pathogenic. Last evaluated: 2023-08-30. Review status: criteria provided, single submitter. Criteria: Invitae Variant Classification Sherloc (09022015). Collection method: clinical testing. Allele origin: germline.
Comment: For these reasons, this variant has been classified as Pathogenic. Advanced modeling of protein sequence and biophysical properties (such as structural, functional, and spatial information, amino acid conservation, physicochemical variation, residue mobility, and thermodynamic stability) has been performed at Invitae for this missense variant, however the output from this modeling did not meet the statistical confidence thresholds required to predict the impact of this variant on GTPBP3 protein function. This variant is also known as c.689A>C (p.Gln230Pro). This missense change has been observed in individual(s) with combined oxidative phosphorylation deficiency (PMID: 34276756, 36980825). In at least one individual the data is consistent with being in trans (on the opposite chromosome) from a pathogenic variant. This variant is present in population databases (rs745700518, gnomAD 0.02%). This sequence change replaces glutamine, which is neutral and polar, with proline, which is neutral and non-polar, at codon 262 of the GTPBP3 protein (p.Gln262Pro).

Literature cited by the submitters: PubMed 34276756; PubMed 36980825.